The following is an entry in ClinVar:

NM_001271938.2(MEGF8):c.6533C>G (p.Pro2178Arg)

Gene: MEGF8 (multiple EGF like domains 8; plus strand). Cytogenetic location: 19q13.2.
Variant type: single nucleotide variant.
Coding change: c.6533C>G on transcript NM_001271938.2 (MANE Select); coding-DNA position 6533, C replaced by G.
Protein change: p.Pro2178Arg; replaces proline 2178 with arginine.
Molecular consequence: missense variant.
Genome position (GRCh38, 1-based): chr19:42,368,894, C>G. VCF-style: chr19-42368894-C-G. GRCh37 (hg19) VCF-style: chr19-42873046-C-G.
Other names: c.6332C>G, p.Pro2111Arg (NM_001410.3); short protein forms P2111R, P2178R.
Identifiers: ClinVar variation 1313964 (VCV001313964.3), dbSNP rs575829700, ClinGen allele CA406134338.

ClinVar aggregate classification (germline): Uncertain significance (1 of 4 stars; one submission).

gnomAD v4.1: 3 of 1,613,892 alleles (0.00019%); no homozygotes.

Submission:

GeneDx
Classification: Uncertain significance. Last evaluated: 2026-10-21. Review status: criteria provided, single submitter. Criteria: GeneDx Variant Classification Process June 2021. Collection method: clinical testing. Allele origin: germline.
Comment: In silico analysis supports that this missense variant has a deleterious effect on protein structure/function; Has not been previously published as pathogenic or benign to our knowledge